The following is an entry in ClinVar:

ClinVar aggregate classification (germline): Pathogenic (1 of 4 stars; one submission).

Submission:

GeneDx
Classification: Pathogenic. Last evaluated: 2017-11-21. Review status: criteria provided, single submitter. Criteria: GeneDx Variant Classification (06012015). Collection method: clinical testing. Allele origin: germline. Affected: yes.
Comment: The Q1198X variant in the NBEAL2 gene has not been reported previously as a pathogenic variant nor as a benign variant, to our knowledge. This variant is predicted to cause loss of normal protein function either through protein truncation or nonsense-mediated mRNA decay. The Q1198X variant was not observed in approximately 6200 individuals of European and African American ancestry in the NHLBI Exome Sequencing Project, indicating it is not a common benign variant in these populations. We interpret Q1198X as a pathogenic variant.

NM_015175.3(NBEAL2):c.3592C>T (p.Gln1198Ter)

Gene: NBEAL2 (neurobeachin like 2; plus strand). Cytogenetic location: 3p21.31.
Variant type: single nucleotide variant.
Coding change: c.3592C>T on transcript NM_015175.3 (MANE Select); coding-DNA position 3592, C replaced by T.
Protein change: p.Gln1198Ter; replaces glutamine 1198 with a stop codon.
Molecular consequence: nonsense.
Genome position (GRCh38, 1-based): chr3:46,999,363, C>T. VCF-style: chr3-46999363-C-T. GRCh37 (hg19) VCF-style: chr3-47040853-C-T.
Other names: c.3490C>T, p.Gln1164Ter (NM_001365116.2); short protein forms Q1198*, Q1164*.
Identifiers: ClinVar variation 280483 (VCV000280483.2), dbSNP rs886041677, ClinGen allele CA10602906.